The following is an entry in ClinVar:

NM_020795.4(NLGN2):c.919T>A (p.Tyr307Asn)

Gene: NLGN2 (neuroligin 2; plus strand). Cytogenetic location: 17p13.1.
Variant type: single nucleotide variant.
Coding change: c.919T>A on transcript NM_020795.4 (MANE Select); coding-DNA position 919, T replaced by A.
Protein change: p.Tyr307Asn; replaces tyrosine 307 with asparagine.
Molecular consequence: missense variant.
Genome position (GRCh38, 1-based): chr17:7,415,030, T>A. VCF-style: chr17-7415030-T-A. GRCh37 (hg19) VCF-style: chr17-7318349-T-A.
Other names: short protein forms Y307N.
Identifiers: ClinVar variation 4529811 (VCV004529811.1).

ClinVar aggregate classification (germline): Uncertain significance (1 of 4 stars; one submission).

Submission:

GeneDx
Classification: Uncertain significance. Last evaluated: 2025-05-10. Review status: criteria provided, single submitter. Criteria: GeneDx Variant Classification Process June 2021. Collection method: clinical testing. Allele origin: germline. Affected: yes.
Comment: Not observed at significant frequency in large population cohorts (gnomAD); In silico analysis supports that this missense variant has a deleterious effect on protein structure/function; Has not been previously published as pathogenic or benign to our knowledge